The following is an entry in ClinVar:

ClinVar aggregate classification (germline): Uncertain significance. Review status: criteria provided, multiple submitters, no conflicts (2 of 4 stars). 2 submissions from 2 submitters: Uncertain significance (2). Last evaluated 2025-09-04.

Conditions:
Dilated cardiomyopathy 1KK (CMD1KK). Identifiers: Orphanet 154, Orphanet 75249, MedGen C3714995, MONDO:0014100, OMIM 615248.
Cardiovascular phenotype. Identifiers: MedGen CN230736.

Allele frequency attached by ClinVar (database versions not stated): gnomAD exomes below 0.00001; TOPMed below 0.00001; gnomAD 0.00001.
gnomAD v4.1: 3 of 1,614,004 alleles (0.00019%); highest among the groups gnomAD compares: Admixed American, 0.0017%; no homozygotes.

Submissions (2):

Ambry Genetics
Classification: Uncertain significance for Cardiovascular phenotype. Last evaluated: 2025-09-04. Review status: criteria provided, single submitter. Criteria: Ambry Variant Classification Scheme 2023. Collection method: clinical testing. Allele origin: germline.
Comment: The p.D1140N variant (also known as c.3418G>A), located in coding exon 16 of the MYPN gene, results from a G to A substitution at nucleotide position 3418. The aspartic acid at codon 1140 is replaced by asparagine, an amino acid with highly similar properties. This amino acid position is conserved. In addition, the in silico prediction for this alteration is inconclusive. Based on the available evidence, the clinical significance of this variant remains unclear.

Labcorp Genetics (formerly Invitae), Labcorp
Classification: Uncertain significance for Dilated cardiomyopathy 1KK. Last evaluated: 2021-08-30. Review status: criteria provided, single submitter. Criteria: Invitae Variant Classification Sherloc (09022015). Collection method: clinical testing. Allele origin: germline.

NM_032578.4(MYPN):c.3418G>A (p.Asp1140Asn)

Gene: MYPN (myopalladin; plus strand). Cytogenetic location: 10q21.3.
Variant type: single nucleotide variant.
Coding change: c.3418G>A on transcript NM_032578.4 (MANE Select); coding-DNA position 3418, G replaced by A.
Protein change: p.Asp1140Asn; replaces aspartic acid 1140 with asparagine.
Molecular consequence: missense variant. On other transcripts: non-coding transcript variant (2).
Genome position (GRCh38, 1-based): chr10:68,199,500, G>A. VCF-style: chr10-68199500-G-A. GRCh37 (hg19) VCF-style: chr10-69959257-G-A.
Other names: c.3418G>A (NM_032578.2); c.3418G>A, p.Asp1140Asn (NM_001256267.2); c.2536G>A, p.Asp846Asn (NM_001256268.2); short protein forms D1140N, D846N.
Identifiers: ClinVar variation 849476 (VCV000849476.6), dbSNP rs1328837945, ClinGen allele CA376859278.